The following is an entry in ClinVar:

ClinVar aggregate classification (germline): Uncertain significance (1 of 4 stars; one submission).

gnomAD v4.1: 5 of 1,614,154 alleles (0.00031%); highest among the groups gnomAD compares: Non-Finnish European, 0.00034%; no homozygotes.

Submission:

Labcorp Genetics (formerly Invitae), Labcorp
Classification: Uncertain significance. Last evaluated: 2022-07-12. Review status: criteria provided, single submitter. Criteria: Invitae Variant Classification Sherloc (09022015). Collection method: clinical testing. Allele origin: germline.
Comment: This sequence change falls in intron 6 of the TAOK2 gene. It does not directly change the encoded amino acid sequence of the TAOK2 protein. It affects a nucleotide within the consensus splice site. In summary, the available evidence is currently insufficient to determine the role of this variant in disease. Therefore, it has been classified as a Variant of Uncertain Significance. Variants that disrupt the consensus splice site are a relatively common cause of aberrant splicing (PMID: 17576681, 9536098). Algorithms developed to predict the effect of sequence changes on RNA splicing suggest that this variant is not likely to affect RNA splicing. ClinVar contains an entry for this variant (Variation ID: 1389129). This variant has not been reported in the literature in individuals affected with TAOK2-related conditions. This variant is not present in population databases (gnomAD no frequency).

Literature cited by the submitters: PubMed 17576681; PubMed 9536098.

NM_016151.4(TAOK2):c.449+6A>G

Gene: TAOK2 (TAO kinase 2; plus strand). Cytogenetic location: 16p11.2.
Variant type: single nucleotide variant.
Coding change: c.449+6A>G on transcript NM_016151.4 (MANE Select); 6 bases into the intron after coding-DNA position 449, A replaced by G.
Molecular consequence: intron variant.
Genome position (GRCh38, 1-based): chr16:29,979,076, A>G. VCF-style: chr16-29979076-A-G. GRCh37 (hg19) VCF-style: chr16-29990397-A-G.
Other names: c.449+6A>G (NM_004783.4, NM_001252043.2).
Identifiers: ClinVar variation 1389129 (VCV001389129.6), dbSNP rs2150885598, ClinGen allele CA2573152221.
Genomic context (GRCh38, chr16:29,979,076, plus strand): 5'-CCCACGGGGCGCTTCAGGGCCTGGCATATCTGCACTCCCACAACATGATCCATAGGTACA[A>G]GCAGCACCGGCAGTGCCTGGGAGGGGAGTGCTATCTGCACCACCTGTCACTTAGCTGGGC-3'